The following is an entry in ClinVar:

NM_006767.4(LZTR1):c.1786-10T>G

Gene: LZTR1 (leucine zipper like post translational regulator 1; plus strand). Cytogenetic location: 22q11.21.
Variant type: single nucleotide variant.
Coding change: c.1786-10T>G on transcript NM_006767.4 (MANE Select); 10 bases into the intron before coding-DNA position 1786, T replaced by G.
Molecular consequence: intron variant.
Genome position (GRCh38, 1-based): chr22:20,994,860, T>G. VCF-style: chr22-20994860-T-G. GRCh37 (hg19) VCF-style: chr22-21349149-T-G.
Identifiers: ClinVar variation 4809240 (VCV004809240.1).

ClinVar aggregate classification (germline): Uncertain significance (1 of 4 stars; one submission).

Submission:

Labcorp Genetics (formerly Invitae), Labcorp
Classification: Uncertain significance. Last evaluated: 2025-03-03. Review status: criteria provided, single submitter. Criteria: Invitae Variant Classification Sherloc (09022015). Collection method: clinical testing. Allele origin: germline.
Comment: This sequence change falls in intron 15 of the LZTR1 gene. It does not directly change the encoded amino acid sequence of the LZTR1 protein. This variant is not present in population databases (gnomAD no frequency). This variant has not been reported in the literature in individuals affected with LZTR1-related conditions. Algorithms developed to predict the effect of sequence changes on RNA splicing suggest that this variant may create or strengthen a splice site. In summary, the available evidence is currently insufficient to determine the role of this variant in disease. Therefore, it has been classified as a Variant of Uncertain Significance.